The following is an entry in ClinVar:

NM_004036.5(ADCY3):c.1323A>G (p.Val441=)

Gene: ADCY3 (adenylate cyclase 3; minus strand). Cytogenetic location: 2p23.3.
Variant type: single nucleotide variant.
Coding change: c.1323A>G on transcript NM_004036.5 (MANE Select); coding-DNA position 1323, A replaced by G.
Protein change: p.Val441=; no amino-acid change (valine 441 retained).
Molecular consequence: synonymous variant.
Genome position (GRCh38, 1-based): chr2:24,839,905, T>C on the plus strand (A>G on the coding strand, the complement: ADCY3 is on the minus strand). VCF-style: chr2-24839905-T-C. GRCh37 (hg19) VCF-style: chr2-25062774-T-C.
Other names: c.1323A>G, p.Val441= (NM_001320613.2, NM_001377128.1, NM_001377129.1 and 2 more transcripts); c.600A>G, p.Val200= (NM_001377131.1).
Identifiers: ClinVar variation 4980842 (VCV004980842.1).

ClinVar aggregate classification (germline): Likely benign (1 of 4 stars; one submission).

Conditions:
ADCY3-related disorder. Also called: ADCY3-related condition.

Submission:

PreventionGenetics, part of Exact Sciences
Classification: Likely benign for ADCY3-related condition. Last evaluated: 2025-01-15. Review status: criteria provided, single submitter. Criteria: ACMG Guidelines, 2015. Collection method: clinical testing. Allele origin: germline.
Comment: This variant is classified as likely benign based on ACMG/AMP sequence variant interpretation guidelines (Richards et al. 2015 PMID: 25741868, with internal and published modifications).